The following is an entry in ClinVar:

NM_001042492.3(NF1):c.1562_1563del (p.Ser521fs)

Gene: NF1 (neurofibromin 1; plus strand). Cytogenetic location: 17q11.2.
Variant type: Deletion.
Coding change: c.1562_1563del on transcript NM_001042492.3 (MANE Select); coding-DNA positions 1562 to 1563, 2 bases deleted (GT; older notation c.1562_1563delGT).
Protein change: p.Ser521fs; shifts the reading frame from serine 521.
Molecular consequence: frameshift variant.
Genome position (GRCh38, 1-based): chr17:31,219,039-31,219,040, GT deleted. VCF-style (leftmost placement, unchanged base first): chr17-31219038-AGT-A. GRCh37 (hg19) VCF-style: chr17-29546056-AGT-A.
Other names: c.1562_1563delGT, p.Ser521Asnfs (NM_000267.4); c.1562_1563del, p.Ser521fs (NM_001128147.3); short protein forms S521fs.
Identifiers: ClinVar variation 1367828 (VCV001367828.6), dbSNP rs2143986114, ClinGen allele CA2573153213.

ClinVar aggregate classification (germline): Pathogenic (1 of 4 stars; one submission).

Conditions:
Neurofibromatosis, type 1 (NF1). Also called: Peripheral type neurofibromatosis; Neurofibromatosis, type I; NEUROFIBROMATOSIS, TYPE I, SOMATIC; VON RECKLINGHAUSEN DISEASE. Identifiers: Orphanet 636, MedGen C0027831, MONDO:0018975, OMIM 162200. Disease mechanism: loss of function.

Submission:

Labcorp Genetics (formerly Invitae), Labcorp
Classification: Pathogenic for Neurofibromatosis, type 1. Last evaluated: 2021-05-07. Review status: criteria provided, single submitter. Criteria: Invitae Variant Classification Sherloc (09022015). Collection method: clinical testing. Allele origin: germline.
Comment: This sequence change creates a premature translational stop signal (p.Ser521Asnfs*36) in the NF1 gene. It is expected to result in an absent or disrupted protein product. Loss-of-function variants in NF1 are known to be pathogenic (PMID: 10712197, 23913538). For these reasons, this variant has been classified as Pathogenic. This variant has not been reported in the literature in individuals with NF1-related conditions. This variant is not present in population databases (ExAC no frequency).

Literature cited by the submitters: PubMed 10712197; PubMed 23913538.